The following is an entry in ClinVar:

ClinVar aggregate classification (germline): Uncertain significance (1 of 4 stars; one submission).

gnomAD v4.1: 7 of 1,613,048 alleles (0.00043%); highest among the groups gnomAD compares: Admixed American, 0.0017%; no homozygotes.

Submission:

Labcorp Genetics (formerly Invitae), Labcorp
Classification: Uncertain significance. Last evaluated: 2021-12-23. Review status: criteria provided, single submitter. Criteria: Invitae Variant Classification Sherloc (09022015). Collection method: clinical testing. Allele origin: germline.
Comment: This sequence change replaces phenylalanine, which is neutral and non-polar, with isoleucine, which is neutral and non-polar, at codon 304 of the MYO1E protein (p.Phe304Ile). This variant is present in population databases (no rsID available, gnomAD 0.003%). This variant has not been reported in the literature in individuals affected with MYO1E-related conditions. Algorithms developed to predict the effect of missense changes on protein structure and function (SIFT, PolyPhen-2, Align-GVGD) all suggest that this variant is likely to be tolerated. In summary, the available evidence is currently insufficient to determine the role of this variant in disease. Therefore, it has been classified as a Variant of Uncertain Significance.

NM_004998.4(MYO1E):c.910T>A (p.Phe304Ile)

Gene: MYO1E (myosin IE; minus strand). Cytogenetic location: 15q22.2.
Variant type: single nucleotide variant.
Coding change: c.910T>A on transcript NM_004998.4 (MANE Select); coding-DNA position 910, T replaced by A.
Protein change: p.Phe304Ile; replaces phenylalanine 304 with isoleucine.
Molecular consequence: missense variant.
Genome position (GRCh38, 1-based): chr15:59,223,059, A>T on the plus strand (T>A on the coding strand, the complement: MYO1E is on the minus strand). VCF-style: chr15-59223059-A-T. GRCh37 (hg19) VCF-style: chr15-59515258-A-T.
Other names: short protein forms F304I.
Identifiers: ClinVar variation 2180544 (VCV002180544.4), dbSNP rs1317921050, ClinGen allele CA392641877.